The following is an entry in ClinVar:

NM_000238.4(KCNH2):c.1129-18C>T

Gene: KCNH2 (potassium voltage-gated channel subfamily H member 2; minus strand). Cytogenetic location: 7q36.1.
Variant type: single nucleotide variant.
Coding change: c.1129-18C>T on transcript NM_000238.4 (MANE Select); 18 bases into the intron before coding-DNA position 1129, C replaced by T.
Molecular consequence: intron variant.
Genome position (GRCh38, 1-based): chr7:150,952,871, G>A on the plus strand (C>T on the coding strand, the complement: KCNH2 is on the minus strand). VCF-style: chr7-150952871-G-A. GRCh37 (hg19) VCF-style: chr7-150649959-G-A.
Other names: c.841-18C>T (NM_001406753.1, NM_001406756.1); c.109-18C>T (NM_172057.3, NM_001204798.2); c.1129-18C>T (NM_172056.3); c.952-18C>T (NM_001406755.1); c.829-18C>T (NM_001406757.1).
Identifiers: ClinVar variation 929251 (VCV000929251.26), dbSNP rs78794789, ClinGen allele CA027150.

ClinVar aggregate classification (germline): Benign/Likely benign. Review status: criteria provided, multiple submitters, no conflicts (2 of 4 stars). 8 submissions from 8 submitters: Benign (3); Likely benign (2). 3 of the submissions do not count toward it. Last evaluated 2026-02-02.

Conditions:
Long QT syndrome (LQTS). Identifiers: MedGen C0023976, MeSH D008133, MONDO:0002442. Disease mechanism: loss of function. Inheritance: Various modes of inheritance.

Allele frequency attached by ClinVar (database versions not stated): 1000 Genomes Project 0.00040; 1000 Genomes Project 30x 0.00047; ExAC 0.00152; gnomAD exomes 0.00156; TOPMed 0.00173; ESP Exome Variant Server 0.00192.
gnomAD v4.1: 4,423 of 1,610,674 alleles (0.27%); highest among the groups gnomAD compares: Non-Finnish European, 0.35%; 6 homozygotes.

Submissions (8):

Labcorp Genetics (formerly Invitae), Labcorp
Classification: Benign for Long QT syndrome. Last evaluated: 2026-02-02. Review status: criteria provided, single submitter. Criteria: Invitae Variant Classification Sherloc (09022015). Collection method: clinical testing. Allele origin: germline.

Blueprint Genetics
Classification: Likely benign. Last evaluated: 2024-11-17. Review status: criteria provided, single submitter. Criteria: ACMG Guidelines, 2015. Collection method: clinical testing. Allele origin: germline.

ARUP Laboratories, Molecular Genetics and Genomics, ARUP Laboratories
Classification: Likely benign. Last evaluated: 2022-06-24. Review status: criteria provided, single submitter. Criteria: ARUP Molecular Germline Variant Investigation Process 2021. Collection method: clinical testing. Allele origin: germline.

Women's Health and Genetics/Laboratory Corporation of America, LabCorp
Classification: Benign. Last evaluated: 2019-08-26. Review status: criteria provided, single submitter. Criteria: LabCorp Variant Classification Summary - May 2015. Collection method: clinical testing. Allele origin: germline.
Comment: Variant summary: KCNH2 c.1129-18C>T alters a non-conserved nucleotide located close to a canonical splice site and therefore could affect mRNA splicing, leading to a significantly altered protein sequence. 4/5 computational tools predict no significant impact on normal splicing. However, these predictions have yet to be confirmed by functional studies. The variant allele was found at a frequency of 0.0016 in 246970 control chromosomes, predominantly at a frequency of 0.0028 within the Non-Finnish European subpopulation in the gnomAD database. The observed variant frequency within Non-Finnish European control individuals in the gnomAD database is approximately 28 fold of the estimated maximal expected allele frequency for a pathogenic variant in KCNH2 causing Arrhythmia phenotype (0.0001), strongly suggesting that the variant is a benign polymorphism found primarily in populations of Non-Finnish European origin. To our knowledge, no occurrence of c.1129-18C>T in individuals affected with Arrhythmia and no experimental evidence demonstrating its impact on protein function have been reported. No clinical diagnostic laboratories have submitted clinical-significance assessments for this variant to ClinVar after 2014. Based on the evidence outlined above, the variant was classified as benign.

GeneDx
Classification: Benign. Last evaluated: 2015-03-03. Review status: criteria provided, single submitter. Criteria: GeneDx Variant Classification Process June 2021. Collection method: clinical testing. Allele origin: germline. Affected: yes.

Clinical Genetics, Academic Medical Center
Classification: Benign. Review status: no assertion criteria provided. Collection method: clinical testing. Allele origin: germline. Affected: yes. Study: VKGL Data-share Consensus. Not counted in ClinVar's aggregate classification.

Genome Diagnostics Laboratory, University Medical Center Utrecht
Classification: Likely benign. Review status: no assertion criteria provided. Collection method: clinical testing. Allele origin: germline. Affected: yes. Study: VKGL Data-share Consensus. Not counted in ClinVar's aggregate classification.

Joint Genome Diagnostic Labs from Nijmegen and Maastricht, Radboudumc and MUMC+
Classification: Likely benign. Review status: no assertion criteria provided. Collection method: clinical testing. Allele origin: germline. Affected: yes. Study: VKGL Data-share Consensus. Not counted in ClinVar's aggregate classification.